The following is an entry in ClinVar:

NM_030665.4(RAI1):c.1606C>T (p.Arg536Cys)

Gene: RAI1 (retinoic acid induced 1; plus strand). Cytogenetic location: 17p11.2.
Variant type: single nucleotide variant.
Coding change: c.1606C>T on transcript NM_030665.4 (MANE Select); coding-DNA position 1606, C replaced by T.
Protein change: p.Arg536Cys; replaces arginine 536 with cysteine.
Molecular consequence: missense variant.
Genome position (GRCh38, 1-based): chr17:17,794,554, C>T. VCF-style: chr17-17794554-C-T. GRCh37 (hg19) VCF-style: chr17-17697868-C-T.
Other names: c.1606C>T (NM_030665.3); short protein forms R536C.
Identifiers: ClinVar variation 1369741 (VCV001369741.8), dbSNP rs149164900, ClinGen allele CA8418371.

ClinVar aggregate classification (germline): Likely benign. Review status: criteria provided, single submitter (1 of 4 stars). 2 submissions from 2 submitters: Likely benign (1). 1 of the submissions does not count toward it. Last evaluated 2025-03-16.

Conditions:
RAI1-related disorder. Also called: RAI1-related condition.

Allele frequency attached by ClinVar (database versions not stated): gnomAD exomes below 0.00001 and 0.00002; ExAC 0.00001; TOPMed 0.00003; ESP Exome Variant Server 0.00008.
gnomAD v4.1: 30 of 1,613,060 alleles (0.0019%); highest among the groups gnomAD compares: Middle Eastern, 0.016%; no homozygotes.

Submissions (2):

Labcorp Genetics (formerly Invitae), Labcorp
Classification: Likely benign. Last evaluated: 2025-03-16. Review status: criteria provided, single submitter. Criteria: Invitae Variant Classification Sherloc (09022015). Collection method: clinical testing. Allele origin: germline.

PreventionGenetics, part of Exact Sciences
Classification: Uncertain significance for RAI1-related condition. Last evaluated: 2024-02-01. Review status: no assertion criteria provided. Collection method: clinical testing. Allele origin: germline. Not counted in ClinVar's aggregate classification.
Comment: The RAI1 c.1606C>T variant is predicted to result in the amino acid substitution p.Arg536Cys. To our knowledge, this variant has not been reported in the literature. This variant is reported in 0.00089% of alleles in individuals of European (Non-Finnish) descent in gnomAD. At this time, the clinical significance of this variant is uncertain due to the absence of conclusive functional and genetic evidence.